The following is an entry in ClinVar:

NM_201596.3(CACNB2):c.1858G>A (p.Glu620Lys)

Gene: CACNB2 (calcium voltage-gated channel auxiliary subunit beta 2; plus strand). Cytogenetic location: 10p12.31.
Variant type: single nucleotide variant.
Coding change: c.1858G>A on transcript NM_201596.3 (MANE Select); coding-DNA position 1858, G replaced by A.
Protein change: p.Glu620Lys; replaces glutamic acid 620 with lysine.
Molecular consequence: missense variant.
Genome position (GRCh38, 1-based): chr10:18,539,599, G>A. VCF-style: chr10-18539599-G-A. GRCh37 (hg19) VCF-style: chr10-18828528-G-A.
Other names: c.1693G>A, p.Glu565Lys (NM_000724.4); c.1660G>A, p.Glu554Lys (NM_001167945.2); c.1579G>A, p.Glu527Lys (NM_001330060.2); c.1714G>A, p.Glu572Lys (NM_201570.3); c.1774G>A, p.Glu592Lys (NM_201571.4); c.1702G>A, p.Glu568Lys (NM_201572.4); c.1696G>A, p.Glu566Lys (NM_201590.3); c.1744G>A, p.Glu582Lys (NM_201593.3); and 1 more; short protein forms E566K, E620K, E527K, E568K, E565K, E572K, E554K, E582K.
Identifiers: ClinVar variation 469640 (VCV000469640.8), dbSNP rs761643494, ClinGen allele CA5430187.

ClinVar aggregate classification (germline): Uncertain significance (1 of 4 stars; one submission).

Conditions:
Brugada syndrome 4 (BRGDA4). Identifiers: Orphanet 130, MedGen C2678477, MONDO:0012743, OMIM 611876.

Allele frequency attached by ClinVar (database versions not stated): gnomAD exomes below 0.00001 and 0.00001; ExAC 0.00001; gnomAD 0.00001; TOPMed 0.00001.
gnomAD v4.1: 20 of 1,613,704 alleles (0.0012%); highest among the groups gnomAD compares: East Asian, 0.0045%; no homozygotes.

Submission:

Labcorp Genetics (formerly Invitae), Labcorp
Classification: Uncertain significance for Brugada syndrome 4. Last evaluated: 2023-12-11. Review status: criteria provided, single submitter. Criteria: Invitae Variant Classification Sherloc (09022015). Collection method: clinical testing. Allele origin: germline.
Comment: This sequence change replaces glutamic acid, which is acidic and polar, with lysine, which is basic and polar, at codon 566 of the CACNB2 protein (p.Glu566Lys). This variant is present in population databases (rs761643494, gnomAD 0.003%). This variant has not been reported in the literature in individuals affected with CACNB2-related conditions. ClinVar contains an entry for this variant (Variation ID: 469640). An algorithm developed to predict the effect of missense changes on protein structure and function (PolyPhen-2) suggests that this variant is likely to be disruptive. In summary, the available evidence is currently insufficient to determine the role of this variant in disease. Therefore, it has been classified as a Variant of Uncertain Significance.